The following is an entry in ClinVar:

NM_002541.4(OGDH):c.2051+6G>A

Gene: OGDH (oxoglutarate dehydrogenase; plus strand). Cytogenetic location: 7p13.
Variant type: single nucleotide variant.
Coding change: c.2051+6G>A on transcript NM_002541.4 (MANE Select); 6 bases into the intron after coding-DNA position 2051, G replaced by A.
Molecular consequence: intron variant.
Genome position (GRCh38, 1-based): chr7:44,697,070, G>A. VCF-style: chr7-44697070-G-A. GRCh37 (hg19) VCF-style: chr7-44736669-G-A.
Other names: c.2084+6G>A (NM_001363523.2); c.2039+6G>A (NM_001165036.2).
Identifiers: ClinVar variation 2148766 (VCV002148766.4), dbSNP rs746860301, ClinGen allele CA4244008.

ClinVar aggregate classification (germline): Uncertain significance (1 of 4 stars; one submission).

Conditions:
Oxoglutaricaciduria. Identifiers: Orphanet 31, MedGen C2752074, MONDO:0008759, OMIM 203740.

Allele frequency attached by ClinVar (database versions not stated): gnomAD 0.00001; TOPMed 0.00001; gnomAD exomes 0.00002; ExAC 0.00005.
gnomAD v4.1: 24 of 1,608,904 alleles (0.0015%); highest among the groups gnomAD compares: South Asian, 0.011%; no homozygotes.

Submission:

Labcorp Genetics (formerly Invitae), Labcorp
Classification: Uncertain significance for Oxoglutaricaciduria. Last evaluated: 2022-05-06. Review status: criteria provided, single submitter. Criteria: Invitae Variant Classification Sherloc (09022015). Collection method: clinical testing. Allele origin: germline.
Comment: This variant is present in population databases (rs746860301, gnomAD 0.03%). This sequence change falls in intron 15 of the OGDH gene. It does not directly change the encoded amino acid sequence of the OGDH protein. It affects a nucleotide within the consensus splice site. This variant has not been reported in the literature in individuals affected with OGDH-related conditions. In summary, the available evidence is currently insufficient to determine the role of this variant in disease. Therefore, it has been classified as a Variant of Uncertain Significance. Variants that disrupt the consensus splice site are a relatively common cause of aberrant splicing (PMID: 17576681, 9536098). Algorithms developed to predict the effect of sequence changes on RNA splicing suggest that this variant is not likely to affect RNA splicing.

Literature cited by the submitters: PubMed 17576681; PubMed 9536098.